The following is an entry in ClinVar:

ClinVar aggregate classification (germline): Uncertain significance. Review status: criteria provided, multiple submitters, no conflicts (2 of 4 stars). 2 submissions from 2 submitters: Uncertain significance (2). Last evaluated 2024-11-12.

Conditions:
Treacher Collins syndrome 1 (TCS1). Also called: TCOF1-Related Treacher Collins Syndrome. Identifiers: Orphanet 861, MedGen CN315775, MONDO:0007944, OMIM 154500.

gnomAD v4.1: 1 of 1,613,948 alleles (0.000062%); highest among the groups gnomAD compares: Non-Finnish European, 0.000085%; no homozygotes.

Submissions (2):

Labcorp Genetics (formerly Invitae), Labcorp
Classification: Uncertain significance for Treacher Collins syndrome 1. Last evaluated: 2024-11-12. Review status: criteria provided, single submitter. Criteria: Invitae Variant Classification Sherloc (09022015). Collection method: clinical testing. Allele origin: germline.
Comment: This sequence change replaces glycine, which is neutral and non-polar, with aspartic acid, which is acidic and polar, at codon 1205 of the TCOF1 protein (p.Gly1205Asp). This variant is not present in population databases (gnomAD no frequency). This variant has not been reported in the literature in individuals affected with TCOF1-related conditions. An algorithm developed to predict the effect of missense changes on protein structure and function (PolyPhen-2) suggests that this variant is likely to be disruptive. In summary, the available evidence is currently insufficient to determine the role of this variant in disease. Therefore, it has been classified as a Variant of Uncertain Significance.

Blueprint Genetics
Classification: Uncertain significance. Last evaluated: 2024-10-24. Review status: criteria provided, single submitter. Criteria: ACMG Guidelines, 2015. Collection method: clinical testing. Allele origin: germline.

NM_001371623.1(TCOF1):c.3617G>A (p.Gly1206Asp)

Gene: TCOF1 (treacle ribosome biogenesis factor 1; plus strand). Cytogenetic location: 5q32.
Variant type: single nucleotide variant.
Coding change: c.3617G>A on transcript NM_001371623.1 (MANE Select); coding-DNA position 3617, G replaced by A.
Protein change: p.Gly1206Asp; replaces glycine 1206 with aspartic acid.
Molecular consequence: missense variant.
Genome position (GRCh38, 1-based): chr5:150,393,385, G>A. VCF-style: chr5-150393385-G-A. GRCh37 (hg19) VCF-style: chr5-149772948-G-A.
Other names: c.3383G>A, p.Gly1128Asp (NM_000356.4); c.3614G>A, p.Gly1205Asp (NM_001135243.2); c.3503G>A, p.Gly1168Asp (NM_001135244.2); c.3386G>A, p.Gly1129Asp (NM_001135245.2); c.3500G>A, p.Gly1167Asp (NM_001195141.2); short protein forms G1128D, G1129D, G1167D, G1168D, G1205D, G1206D.
Identifiers: ClinVar variation 3613176 (VCV003613176.3).